The following is an entry in ClinVar:

ClinVar aggregate classification (germline): Uncertain significance. Review status: criteria provided, multiple submitters, no conflicts (2 of 4 stars). 3 submissions from 3 submitters: Uncertain significance (3). Last evaluated 2024-03-07.

Conditions:
Hereditary nonpolyposis colorectal neoplasms. Identifiers: MedGen C0009405, MeSH D003123.
Hereditary cancer-predisposing syndrome. Also called: Neoplastic Syndromes, Hereditary; Tumor predisposition; Hereditary Cancer Syndrome; Hereditary neoplastic syndrome. Identifiers: Orphanet 140162, MedGen C0027672, MeSH D009386, MONDO:0015356.

Submissions (3):

Color Diagnostics, LLC DBA Color Health
Classification: Uncertain significance for Hereditary cancer-predisposing syndrome. Last evaluated: 2024-03-07. Review status: criteria provided, single submitter. Criteria: ACMG Guidelines, 2015. Collection method: clinical testing. Allele origin: germline.
Comment: This missense variant replaces serine with cysteine at codon 892 of the MSH6 protein. Computational prediction tool suggests that this variant may not impact protein structure and function (internally defined REVEL score threshold <=0.5, PMID: 27666373). Splice site prediction tools suggest that this variant may not impact RNA splicing. To our knowledge, functional studies have not been performed for this variant. This variant has not been reported in individuals affected with hereditary cancer in the literature. This variant has not been identified in the general population by the Genome Aggregation Database (gnomAD). The available evidence is insufficient to determine the role of this variant in disease conclusively. Therefore, this variant is classified as a Variant of Uncertain Significance.

Ambry Genetics
Classification: Uncertain significance for Hereditary cancer-predisposing syndrome. Last evaluated: 2022-11-05. Review status: criteria provided, single submitter. Criteria: Ambry Variant Classification Scheme 2023. Collection method: clinical testing. Allele origin: germline.
Comment: The p.S892C variant (also known as c.2675C>G), located in coding exon 4 of the MSH6 gene, results from a C to G substitution at nucleotide position 2675. The serine at codon 892 is replaced by cysteine, an amino acid with dissimilar properties. This amino acid position is conserved. In addition, this alteration is predicted to be tolerated by in silico analysis. Since supporting evidence is limited at this time, the clinical significance of this alteration remains unclear.

Labcorp Genetics (formerly Invitae), Labcorp
Classification: Uncertain significance for Hereditary nonpolyposis colorectal neoplasms. Last evaluated: 2022-03-18. Review status: criteria provided, single submitter. Criteria: Invitae Variant Classification Sherloc (09022015). Collection method: clinical testing. Allele origin: germline.
Comment: This variant has not been reported in the literature in individuals affected with MSH6-related conditions. This sequence change replaces serine, which is neutral and polar, with cysteine, which is neutral and slightly polar, at codon 892 of the MSH6 protein (p.Ser892Cys). This variant is not present in population databases (gnomAD no frequency). ClinVar contains an entry for this variant (Variation ID: 921822). Advanced modeling of protein sequence and biophysical properties (such as structural, functional, and spatial information, amino acid conservation, physicochemical variation, residue mobility, and thermodynamic stability) performed at Invitae indicates that this missense variant is not expected to disrupt MSH6 protein function. In summary, the available evidence is currently insufficient to determine the role of this variant in disease. Therefore, it has been classified as a Variant of Uncertain Significance.

NM_000179.3(MSH6):c.2675C>G (p.Ser892Cys)

Gene: MSH6 (mutS homolog 6; plus strand). Cytogenetic location: 2p16.3.
Variant type: single nucleotide variant.
Coding change: c.2675C>G on transcript NM_000179.3 (MANE Select); coding-DNA position 2675, C replaced by G.
Protein change: p.Ser892Cys; replaces serine 892 with cysteine.
Molecular consequence: missense variant.
Genome position (GRCh38, 1-based): chr2:47,800,658, C>G. VCF-style: chr2-47800658-C-G. GRCh37 (hg19) VCF-style: chr2-48027797-C-G.
Other names: c.2285C>G, p.Ser762Cys (NM_001281492.2); c.1769C>G, p.Ser590Cys (NM_001281493.2, NM_001281494.2); short protein forms S892C, S590C, S762C.
Identifiers: ClinVar variation 921822 (VCV000921822.16), dbSNP rs1669495972, ClinGen allele CA346755266.